The following is an entry in ClinVar:

NM_000231.3(SGCG):c.757G>A (p.Gly253Ser)

Gene: SGCG (sarcoglycan gamma; plus strand). Cytogenetic location: 13q12.12.
Variant type: single nucleotide variant.
Coding change: c.757G>A on transcript NM_000231.3 (MANE Select); coding-DNA position 757, G replaced by A.
Protein change: p.Gly253Ser; replaces glycine 253 with serine.
Molecular consequence: missense variant.
Genome position (GRCh38, 1-based): chr13:23,324,422, G>A. VCF-style: chr13-23324422-G-A. GRCh37 (hg19) VCF-style: chr13-23898561-G-A.
Other names: c.811G>A, p.Gly271Ser (NM_001378244.1); c.757G>A, p.Gly253Ser (NM_001378245.1, NM_001378246.1); short protein forms G271S, G253S.
Identifiers: ClinVar variation 1905508 (VCV001905508.5), dbSNP rs2137534114, ClinGen allele CA387503643.

ClinVar aggregate classification (germline): Uncertain significance (1 of 4 stars; one submission).

Conditions:
Autosomal recessive limb-girdle muscular dystrophy type 2C (LGMDR5). Also called: MUSCULAR DYSTROPHY, LIMB-GIRDLE, AUTOSOMAL RECESSIVE 5; MUSCULAR DYSTROPHY, DUCHENNE-LIKE. Identifiers: Orphanet 353, MedGen C0410173, MONDO:0009677, OMIM 253700. Disease mechanism: Affects gamma-sarcoglycan and also disrupts the integrity of the entire sarcoglycan complex..

Submission:

Labcorp Genetics (formerly Invitae), Labcorp
Classification: Uncertain significance for Autosomal recessive limb-girdle muscular dystrophy type 2C. Last evaluated: 2022-06-10. Review status: criteria provided, single submitter. Criteria: Invitae Variant Classification Sherloc (09022015). Collection method: clinical testing. Allele origin: germline.
Comment: Algorithms developed to predict the effect of missense changes on protein structure and function output the following: SIFT: "Tolerated"; PolyPhen-2: "Benign"; Align-GVGD: "Class C0". The serine amino acid residue is found in multiple mammalian species, which suggests that this missense change does not adversely affect protein function. In summary, the available evidence is currently insufficient to determine the role of this variant in disease. Therefore, it has been classified as a Variant of Uncertain Significance. This variant has not been reported in the literature in individuals affected with SGCG-related conditions. This variant is not present in population databases (gnomAD no frequency). This sequence change replaces glycine, which is neutral and non-polar, with serine, which is neutral and polar, at codon 253 of the SGCG protein (p.Gly253Ser).